The following is an entry in ClinVar:

NM_000081.4(LYST):c.5774G>A (p.Ser1925Asn)

Gene: LYST (lysosomal trafficking regulator; minus strand). Cytogenetic location: 1q42.3.
Variant type: single nucleotide variant.
Coding change: c.5774G>A on transcript NM_000081.4 (MANE Select); coding-DNA position 5774, G replaced by A.
Protein change: p.Ser1925Asn; replaces serine 1925 with asparagine.
Molecular consequence: missense variant.
Genome position (GRCh38, 1-based): chr1:235,773,852, C>T on the plus strand (G>A on the coding strand, the complement: LYST is on the minus strand). VCF-style: chr1-235773852-C-T. GRCh37 (hg19) VCF-style: chr1-235937152-C-T.
Other names: c.5774G>A, p.Ser1925Asn (NM_001301365.1); short protein forms S1925N.
Identifiers: ClinVar variation 875823 (VCV000875823.8), dbSNP rs200129772, ClinGen allele CA39621172.

ClinVar aggregate classification (germline): Uncertain significance. Review status: criteria provided, multiple submitters, no conflicts (2 of 4 stars). 2 submissions from 2 submitters: Uncertain significance (2). Last evaluated 2022-07-25.

Conditions:
Chédiak-Higashi syndrome (CHS). Also called: Chediak-Higashi Syndrome. Identifiers: Orphanet 167, MedGen C0007965, MONDO:0008963, OMIM 214500.

Allele frequency attached by ClinVar (database versions not stated): gnomAD 0.00002; gnomAD exomes 0.00003; TOPMed 0.00003.
gnomAD v4.1: 46 of 1,612,274 alleles (0.0029%); highest among the groups gnomAD compares: Non-Finnish European, 0.0036%; no homozygotes.

Submissions (2):

Labcorp Genetics (formerly Invitae), Labcorp
Classification: Uncertain significance for Chédiak-Higashi syndrome. Last evaluated: 2022-07-25. Review status: criteria provided, single submitter. Criteria: Invitae Variant Classification Sherloc (09022015). Collection method: clinical testing. Allele origin: germline.
Comment: This sequence change replaces serine, which is neutral and polar, with asparagine, which is neutral and polar, at codon 1925 of the LYST protein (p.Ser1925Asn). This variant is present in population databases (rs200129772, gnomAD 0.002%). This variant has not been reported in the literature in individuals affected with LYST-related conditions. ClinVar contains an entry for this variant (Variation ID: 875823). Algorithms developed to predict the effect of missense changes on protein structure and function output the following: SIFT: "Tolerated"; PolyPhen-2: "Benign"; Align-GVGD: "Class C0". The asparagine amino acid residue is found in multiple mammalian species, which suggests that this missense change does not adversely affect protein function. In summary, the available evidence is currently insufficient to determine the role of this variant in disease. Therefore, it has been classified as a Variant of Uncertain Significance.

Illumina Laboratory Services, Illumina
Classification: Uncertain significance for Chédiak-Higashi syndrome. Last evaluated: 2017-04-27. Review status: criteria provided, single submitter. Criteria: ICSL Variant Classification Criteria 13 December 2019. Collection method: clinical testing. Allele origin: germline.